The following is an entry in ClinVar:

ClinVar aggregate classification (germline): Pathogenic (1 of 4 stars; one submission).

Conditions:
ALG12-congenital disorder of glycosylation (CDG1G). Also called: CDG Ig; ALG12-CDG; Congenital disorder of glycosylation, type Ig. Identifiers: Orphanet 79324, MedGen C2931001, MONDO:0011783, OMIM 607143.

Submission:

Labcorp Genetics (formerly Invitae), Labcorp
Classification: Pathogenic for ALG12-congenital disorder of glycosylation. Last evaluated: 2025-01-30. Review status: criteria provided, single submitter. Criteria: Invitae Variant Classification Sherloc (09022015). Collection method: clinical testing. Allele origin: germline.
Comment: This sequence change creates a premature translational stop signal (p.Ser252Thrfs*33) in the ALG12 gene. It is expected to result in an absent or disrupted protein product. Loss-of-function variants in ALG12 are known to be pathogenic (PMID: 15639192, 31481313). This variant is present in population databases (no rsID available, gnomAD 0.008%). This variant has not been reported in the literature in individuals affected with ALG12-related conditions. For these reasons, this variant has been classified as Pathogenic.

Literature cited by the submitters: PubMed 15639192; PubMed 31481313.

NM_024105.4(ALG12):c.755del (p.Ser252fs)

Gene: ALG12 (ALG12 alpha-1,6-mannosyltransferase; minus strand). Cytogenetic location: 22q13.33.
Variant type: Deletion.
Coding change: c.755del on transcript NM_024105.4 (MANE Select); coding-DNA position 755, one base deleted (G; older notation c.755delG).
Protein change: p.Ser252fs; shifts the reading frame from serine 252.
Molecular consequence: frameshift variant.
Genome position (GRCh38, 1-based): chr22:49,909,257, C deleted on the plus strand (G on the coding strand, the reverse complement: ALG12 is on the minus strand). VCF-style (leftmost placement, unchanged base first): chr22-49909256-GC-G. GRCh37 (hg19) VCF-style: chr22-50302904-GC-G.
Other names: short protein forms S252fs.
Identifiers: ClinVar variation 3617623 (VCV003617623.2).